The following is an entry in ClinVar:

ClinVar aggregate classification (germline): Pathogenic (1 of 4 stars; one submission).

Submission:

GeneDx
Classification: Pathogenic. Last evaluated: 2026-03-13. Review status: criteria provided, single submitter. Criteria: GeneDx Variant Classification Process June 2021. Collection method: clinical testing. Allele origin: germline.
Comment: Canonical splice site variant predicted to result in a null allele in a gene for which loss of function is a known mechanism of disease; Not observed at significant frequency in large population cohorts (gnomAD); Has not been previously published as pathogenic or benign in association with an ABCA4-related disorder to our knowledge; This variant is associated with the following publications: (PMID: 31964843)

NM_000350.3(ABCA4):c.442+1G>A

Gene: ABCA4 (ATP binding cassette subfamily A member 4; minus strand). Cytogenetic location: 1p22.1.
Variant type: single nucleotide variant.
Coding change: c.442+1G>A on transcript NM_000350.3 (MANE Select); the canonical splice donor site of the intron after coding-DNA position 442, G replaced by A.
Molecular consequence: splice donor variant.
Genome position (GRCh38, 1-based): chr1:94,108,576, C>T on the plus strand (G>A on the coding strand, the complement: ABCA4 is on the minus strand). VCF-style: chr1-94108576-C-T. GRCh37 (hg19) VCF-style: chr1-94574132-C-T.
Other names: c.442+1G>A (NM_001425324.1).
Identifiers: ClinVar variation 4891420 (VCV004891420.1).